The following is an entry in ClinVar:

NM_000124.4(ERCC6):c.3412A>G (p.Thr1138Ala)

Gene: ERCC6 (ERCC excision repair 6, chromatin remodeling factor; minus strand). Cytogenetic location: 10q11.23.
Variant type: single nucleotide variant.
Coding change: c.3412A>G on transcript NM_000124.4 (MANE Select); coding-DNA position 3412, A replaced by G.
Protein change: p.Thr1138Ala; replaces threonine 1138 with alanine.
Molecular consequence: missense variant.
Genome position (GRCh38, 1-based): chr10:49,470,548, T>C on the plus strand (A>G on the coding strand, the complement: ERCC6 is on the minus strand). VCF-style: chr10-49470548-T-C. GRCh37 (hg19) VCF-style: chr10-50678594-T-C.
Other names: c.3412A>G, p.Thr1138Ala (NM_001346440.2); short protein forms T1138A.
Identifiers: ClinVar variation 1953222 (VCV001953222.4), dbSNP rs762401051, ClinGen allele CA376715076.

ClinVar aggregate classification (germline): Uncertain significance. Review status: criteria provided, multiple submitters, no conflicts (2 of 4 stars). 2 submissions from 2 submitters: Uncertain significance (2). Last evaluated 2025-06-07.

Conditions:
Inborn genetic diseases. Identifiers: MedGen C0950123, MeSH D030342.

gnomAD v4.1: 2 of 1,614,142 alleles (0.00012%); no homozygotes.

Submissions (2):

Ambry Genetics
Classification: Uncertain significance for Inborn genetic diseases. Last evaluated: 2025-06-07. Review status: criteria provided, single submitter. Criteria: Ambry Variant Classification Scheme 2023. Collection method: clinical testing. Allele origin: germline.

Labcorp Genetics (formerly Invitae), Labcorp
Classification: Uncertain significance. Last evaluated: 2022-11-08. Review status: criteria provided, single submitter. Criteria: Invitae Variant Classification Sherloc (09022015). Collection method: clinical testing. Allele origin: germline.
Comment: In summary, the available evidence is currently insufficient to determine the role of this variant in disease. Therefore, it has been classified as a Variant of Uncertain Significance. Algorithms developed to predict the effect of missense changes on protein structure and function output the following: SIFT: "Tolerated"; PolyPhen-2: "Benign"; Align-GVGD: "Class C0". The alanine amino acid residue is found in multiple mammalian species, which suggests that this missense change does not adversely affect protein function. This variant has not been reported in the literature in individuals affected with ERCC6-related conditions. This variant is not present in population databases (gnomAD no frequency). This sequence change replaces threonine, which is neutral and polar, with alanine, which is neutral and non-polar, at codon 1138 of the ERCC6 protein (p.Thr1138Ala).